The following is an entry in ClinVar:

NM_001206979.2(NR1H4):c.518T>C (p.Met173Thr)

Gene: NR1H4 (nuclear receptor subfamily 1 group H member 4; plus strand). Cytogenetic location: 12q23.1.
Variant type: single nucleotide variant.
Coding change: c.518T>C on transcript NM_001206979.2 (MANE Select); coding-DNA position 518, T replaced by C.
Protein change: p.Met173Thr; replaces methionine 173 with threonine.
Molecular consequence: missense variant. On other transcripts: non-coding transcript variant (1), intron variant (1).
Genome position (GRCh38, 1-based): chr12:100,532,530, T>C. VCF-style: chr12-100532530-T-C. GRCh37 (hg19) VCF-style: chr12-100926308-T-C.
Other names: p.Met173Thr; c.518T>C, p.Met173Thr (NM_001206977.2, NM_005123.4); c.548T>C, p.Met183Thr (NM_001206992.2, NM_001206993.2); c.446-2360T>C (NM_001206978.2); short protein forms M173T, M183T.
Identifiers: ClinVar variation 291196 (VCV000291196.59), dbSNP rs61755050, ClinGen allele CA6739264.
Genomic context (GRCh38, chr12:100,532,530, plus strand): 5'-GAAGCATTACCAAAAACGCTGTGTACAAGTGTAAAAACGGGGGCAACTGTGTGATGGATA[T>C]GTACATGCGAAGAAAGTGTCAAGAGTGTCGACTAAGGAAATGCAAAGAGATGGGAATGTT-3'
Protein context (NP_001193908.1, residues 163-183): CKNGGNCVMD[Met173Thr]YMRRKCQECR

ClinVar aggregate classification (germline): Likely benign. Review status: criteria provided, multiple submitters, no conflicts (2 of 4 stars). 7 submissions from 7 submitters: Likely benign (7). Last evaluated 2026-08-01.

Conditions:
NR1H4-related disorder. Also called: NR1H4-related condition.

Allele frequency attached by ClinVar (database versions not stated): gnomAD exomes 0.00380 and 0.00539; ExAC 0.00386; ESP Exome Variant Server 0.00477; 1000 Genomes Project 30x 0.00141; 1000 Genomes Project 0.00160; TOPMed 0.00336; gnomAD 0.00366 and 0.00371.

Submissions (7):

CeGaT Center for Human Genetics Tuebingen
Classification: Likely benign. Last evaluated: 2026-08-01. Review status: criteria provided, single submitter. Criteria: CeGaT Center For Human Genetics Tuebingen Variant Classification Criteria Version 2. Collection method: clinical testing. Allele origin: germline. Affected: yes. Observed: 12 variant alleles.
Comment: NR1H4: PP3, BS2

Labcorp Genetics (formerly Invitae), Labcorp
Classification: Likely benign. Last evaluated: 2026-01-13. Review status: criteria provided, single submitter. Criteria: Invitae Variant Classification Sherloc (09022015). Collection method: clinical testing. Allele origin: germline.

Mayo Clinic Laboratories, Mayo Clinic
Classification: Likely benign. Last evaluated: 2025-02-14. Review status: criteria provided, single submitter. Criteria: ACMG Guidelines, 2015. Collection method: clinical testing. Allele origin: germline. Observed: 7 variant alleles.
Comment: BS1, BS2, PP3_moderate

PreventionGenetics, part of Exact Sciences
Classification: Likely benign for NR1H4-related condition. Last evaluated: 2025-01-10. Review status: criteria provided, single submitter. Criteria: ACMG Guidelines, 2015. Collection method: clinical testing. Allele origin: germline.
Comment: This variant is classified as likely benign based on ACMG/AMP sequence variant interpretation guidelines (Richards et al. 2015 PMID: 25741868, with internal and published modifications).

Blueprint Genetics
Classification: Likely benign. Last evaluated: 2024-11-22. Review status: criteria provided, single submitter. Criteria: ACMG Guidelines, 2015. Collection method: clinical testing. Allele origin: germline.

Eurofins Ntd Llc (ga)
Classification: Likely benign. Last evaluated: 2016-09-13. Review status: criteria provided, single submitter. Criteria: EGL Classification Definitions 2015. Collection method: clinical testing. Allele origin: germline. Observed: 2 variant alleles, 2 heterozygotes.

Breakthrough Genomics
Classification: Likely benign. Review status: criteria provided, single submitter. Criteria: ACMG Guidelines, 2015. Collection method: not provided. Allele origin: germline. Inheritance: Autosomal recessive inheritance. Affected: yes.

Literature cited by the submitters: PubMed 17681172 (cited by Mayo Clinic Laboratories, Mayo Clinic); PubMed 21633855 (cited by Mayo Clinic Laboratories, Mayo Clinic); PubMed 37208429 (cited by Mayo Clinic Laboratories, Mayo Clinic).